The following is an entry in ClinVar:

NM_015426.5(POC1A):c.915T>G (p.Val305=)

Gene: POC1A (POC1 centriolar protein A; minus strand). Cytogenetic location: 3p21.2.
Variant type: single nucleotide variant.
Coding change: c.915T>G on transcript NM_015426.5 (MANE Select); coding-DNA position 915, T replaced by G.
Protein change: p.Val305=; no amino-acid change (valine 305 retained).
Molecular consequence: synonymous variant.
Genome position (GRCh38, 1-based): chr3:52,122,445, A>C on the plus strand (T>G on the coding strand, the complement: POC1A is on the minus strand). VCF-style: chr3-52122445-A-C. GRCh37 (hg19) VCF-style: chr3-52156461-A-C.
Other names: c.915T>G, p.Val305= (NM_001161580.2); c.801T>G, p.Val267= (NM_001161581.2).
Identifiers: ClinVar variation 129987 (VCV000129987.15), dbSNP rs115238307, ClinGen allele CA154725.

ClinVar aggregate classification (germline): Benign. Review status: criteria provided, multiple submitters, no conflicts (2 of 4 stars). 3 submissions from 3 submitters: Benign (2). 1 of the submissions does not count toward it. Last evaluated 2026-01-26.

Allele frequency attached by ClinVar (database versions not stated): gnomAD exomes 0.00067 and 0.00183; ExAC 0.00236; 1000 Genomes Project 0.00719; gnomAD 0.00725 and 0.00784; 1000 Genomes Project 30x 0.00765; TOPMed 0.00816; ESP Exome Variant Server 0.00961.
gnomAD v4.1: 2,131 of 1,612,552 alleles (0.13%); highest among the groups gnomAD compares: African/African-American, 2.5%; 28 homozygotes.

Submissions (3):

Labcorp Genetics (formerly Invitae), Labcorp
Classification: Benign. Last evaluated: 2026-01-26. Review status: criteria provided, single submitter. Criteria: Invitae Variant Classification Sherloc (09022015). Collection method: clinical testing. Allele origin: germline.

Breakthrough Genomics
Classification: Benign. Review status: criteria provided, single submitter. Criteria: ACMG Guidelines, 2015. Collection method: not provided. Allele origin: germline. Inheritance: Autosomal recessive inheritance. Affected: yes.

Genetic Services Laboratory, University of Chicago
Classification: Likely benign for AllHighlyPenetrant. Review status: no assertion criteria provided. Collection method: clinical testing. Allele origin: germline. Inheritance: Autosomal recessive inheritance. Not counted in ClinVar's aggregate classification.
Comment: Likely benign based on allele frequency in 1000 Genomes Project or ESP global frequency and its presence in a patient with a rare or unrelated disease phenotype. NOT Sanger confirmed.